The following is an entry in ClinVar:

NM_000037.4(ANK1):c.5208del (p.Ser1736fs)

Gene: ANK1 (ankyrin 1; minus strand). Cytogenetic location: 8p11.21.
Variant type: Deletion.
Coding change: c.5208del on transcript NM_000037.4 (MANE Select); coding-DNA position 5208, one base deleted (T; older notation c.5208delT).
Protein change: p.Ser1736fs; shifts the reading frame from serine 1736.
Molecular consequence: frameshift variant.
Genome position (GRCh38, 1-based): chr8:41,668,453, A deleted on the plus strand (T on the coding strand, the reverse complement: ANK1 is on the minus strand). VCF-style (leftmost placement, unchanged base first): chr8-41668452-TA-T. GRCh37 (hg19) VCF-style: chr8-41525970-TA-T.
Other names: p.(Ser1736ArgfsTer3); c.5331del, p.Ser1777fs (NM_001142446.2); c.5208del, p.Ser1736fs (NM_020475.3, NM_020476.3); c.4722del, p.Ser1574fs (NM_020477.3); short protein forms S1574fs, S1736fs, S1777fs.
Identifiers: ClinVar variation 4852835 (VCV004852835.1).

ClinVar aggregate classification (germline): Likely pathogenic (1 of 4 stars; one submission).

Conditions:
Hereditary spherocytosis type 1. Also called: Spherocytosis type 1; ANK1-Related Spherocytosis. Identifiers: Orphanet 822, MedGen C2674218, MONDO:0008447, OMIM 182900.

Submission:

Department of Pediatrics, Duzce University
Classification: Likely pathogenic for Hereditary spherocytosis type 1. Last evaluated: 2024-02-12. Review status: criteria provided, single submitter. Criteria: ACMG Guidelines, 2015. Collection method: research. Allele origin: germline. Inheritance: Autosomal dominant inheritance. Affected: yes.
Comment: Putatively novel single-nucleotide deletion causing a frameshift and premature stop codon (p.Ser1736ArgfsTer3), predicted to result in loss of function, the established mechanism for autosomal dominant hereditary spherocytosis in ANK1 (Wang et al., Ann Hematol 2025; DOI 10.1007/s00277-025-06408-9) (PVS1). Absent from population databases (PM2_supporting). Applied ACMG/AMP criteria: PVS1, PM2_supporting. Classification: Likely pathogenic.

Literature cited by the submitters: PubMed 40457051.